The following is an entry in ClinVar:

ClinVar aggregate classification (germline): Uncertain significance (1 of 4 stars; one submission).

Conditions:
POLD1-related polyposis and colorectal cancer syndrome (CRCS10). Also called: Colorectal cancer, susceptibility to, 10; Colorectal cancer 10; COLORECTAL CANCER, SUSCEPTIBILITY TO, ON CHROMOSOME 19q. Identifiers: Orphanet 220460, MedGen C2675481, MONDO:0012953, OMIM 612591.

Submission:

Labcorp Genetics (formerly Invitae), Labcorp
Classification: Uncertain significance for POLD1-related polyposis and colorectal cancer syndrome. Last evaluated: 2021-09-02. Review status: criteria provided, single submitter. Criteria: Invitae Variant Classification Sherloc (09022015). Collection method: clinical testing. Allele origin: germline.
Comment: This sequence change replaces tryptophan with cysteine at codon 381 of the POLD1 protein (p.Trp381Cys). The tryptophan residue is highly conserved and there is a large physicochemical difference between tryptophan and cysteine. In summary, the available evidence is currently insufficient to determine the role of this variant in disease. Therefore, it has been classified as a Variant of Uncertain Significance. Algorithms developed to predict the effect of missense changes on protein structure and function are either unavailable or do not agree on the potential impact of this missense change (SIFT: "Deleterious"; PolyPhen-2: "Probably Damaging"; Align-GVGD: "Class C0"). This variant is not present in population databases (ExAC no frequency). This variant has not been reported in the literature in individuals affected with POLD1-related conditions.

NM_002691.4(POLD1):c.1143G>T (p.Trp381Cys)

Gene: POLD1 (DNA polymerase delta 1, catalytic subunit; plus strand). Cytogenetic location: 19q13.33.
Variant type: single nucleotide variant.
Coding change: c.1143G>T on transcript NM_002691.4 (MANE Select); coding-DNA position 1143, G replaced by T.
Protein change: p.Trp381Cys; replaces tryptophan 381 with cysteine.
Molecular consequence: missense variant. On other transcripts: non-coding transcript variant (1).
Genome position (GRCh38, 1-based): chr19:50,403,498, G>T. VCF-style: chr19-50403498-G-T. GRCh37 (hg19) VCF-style: chr19-50906755-G-T.
Other names: c.1143G>T, p.Trp381Cys (NM_001256849.1, NM_001308632.1); short protein forms W381C.
Identifiers: ClinVar variation 1350695 (VCV001350695.6), dbSNP rs2122277266, ClinGen allele CA406978432.